The following is an entry in ClinVar:

NM_152564.5(VPS13B):c.4270C>T (p.Leu1424Phe)

Gene: VPS13B (vacuolar protein sorting 13 homolog B; plus strand). Cytogenetic location: 8q22.2.
Variant type: single nucleotide variant.
Coding change: c.4270C>T on transcript NM_152564.5 (MANE Select); coding-DNA position 4270, C replaced by T.
Protein change: p.Leu1424Phe; replaces leucine 1424 with phenylalanine.
Molecular consequence: missense variant.
Genome position (GRCh38, 1-based): chr8:99,511,149, C>T. VCF-style: chr8-99511149-C-T. GRCh37 (hg19) VCF-style: chr8-100523377-C-T.
Other names: c.4345C>T, p.Leu1449Phe (NM_017890.5); short protein forms L1424F, L1449F.
Identifiers: ClinVar variation 1379142 (VCV001379142.5), dbSNP rs1821771268, ClinGen allele CA371871267.
Genomic context (GRCh38, chr8:99,511,149, plus strand): 5'-CTTTTTTTGGAACAGACAACTACAAAACTTCTAGATGGCACTCATCAGCAGCATGGATTC[C>T]TCTCTCTGACATACACAAAAGCTGTAACAAAAAATGTCCGCCACAAGTTAACATCAAGAA-3'
Protein context (NP_689777.3, residues 1414-1434): LDGTHQQHGF[Leu1424Phe]SLTYTKAVTK

ClinVar aggregate classification (germline): Uncertain significance (1 of 4 stars; one submission).

Conditions:
Cohen syndrome (COH1). Also called: Cutis verticis gyrata, retinitis pigmentosa, and sensorineural deafness; PEPPER SYNDROME. Identifiers: Orphanet 193, MedGen C0265223, MONDO:0008999, OMIM 216550.

Allele frequency attached by ClinVar (database versions not stated): gnomAD 0.00001.
gnomAD v4.1: 1 of 1,613,662 alleles (0.000062%); highest among the groups gnomAD compares: African/African-American, 0.0013%; no homozygotes.

Submission:

Labcorp Genetics (formerly Invitae), Labcorp
Classification: Uncertain significance for Cohen syndrome. Last evaluated: 2021-08-14. Review status: criteria provided, single submitter. Criteria: Invitae Variant Classification Sherloc (09022015). Collection method: clinical testing. Allele origin: germline.
Comment: This sequence change replaces leucine with phenylalanine at codon 1449 of the VPS13B protein (p.Leu1449Phe). The leucine residue is moderately conserved and there is a small physicochemical difference between leucine and phenylalanine. This variant is not present in population databases (ExAC no frequency). This variant has not been reported in the literature in individuals affected with VPS13B-related conditions. Algorithms developed to predict the effect of missense changes on protein structure and function are either unavailable or do not agree on the potential impact of this missense change (SIFT: "Not Available"; PolyPhen-2: "Probably Damaging"; Align-GVGD: "Not Available"). In summary, the available evidence is currently insufficient to determine the role of this variant in disease. Therefore, it has been classified as a Variant of Uncertain Significance.